The following is an entry in ClinVar:

ClinVar aggregate classification (germline): Benign (1 of 4 stars; one submission).

Conditions:
Combined oxidative phosphorylation defect type 8. Also called: CARDIOMYOPATHY, HYPERTROPHIC MITOCHONDRIAL, FATAL INFANTILE. Identifiers: Orphanet 319504, MedGen C4518839, MONDO:0013570, OMIM 614096.

Allele frequency attached by ClinVar (database versions not stated): gnomAD 0.87836 and 0.88420; gnomAD exomes 0.95835; 1000 Genomes Project 30x 0.86415; 1000 Genomes Project 0.86941; TOPMed 0.87116.
gnomAD v4.1: 285,101 of 309,194 alleles (92%); highest among the groups gnomAD compares: East Asian, 100%; 133,211 homozygotes.

Submission:

Illumina Laboratory Services, Illumina
Classification: Benign for Combined oxidative phosphorylation defect type 8. Last evaluated: 2018-01-13. Review status: criteria provided, single submitter. Criteria: ICSL Variant Classification Criteria 13 December 2019. Collection method: clinical testing. Allele origin: germline.
Comment: This variant was observed in the ICSL laboratory as part of a predisposition screen in an ostensibly healthy population. It had not been previously curated by ICSL or reported in the Human Gene Mutation Database (HGMD: prior to June 1st, 2018), and was therefore a candidate for classification through an automated scoring system. Utilizing variant allele frequency, disease prevalence and penetrance estimates, and inheritance mode, an automated score was calculated to assess if this variant is too frequent to cause the disease. Based on the score and internal cut-off values, a variant classified as benign is not then subjected to further curation. The score for this variant resulted in a classification of benign for this disease.

NM_020745.4(AARS2):c.*366T>C

Gene: AARS2 (alanyl-tRNA synthetase 2, mitochondrial; minus strand). Cytogenetic location: 6p21.1.
Variant type: single nucleotide variant.
Coding change: c.*366T>C on transcript NM_020745.4 (MANE Select); 366 bases downstream of the stop codon, T replaced by C.
Molecular consequence: 3 prime UTR variant.
Genome position (GRCh38, 1-based): chr6:44,300,181, A>G on the plus strand (T>C on the coding strand, the complement: AARS2 is on the minus strand). VCF-style: chr6-44300181-A-G. GRCh37 (hg19) VCF-style: chr6-44267918-A-G.
Identifiers: ClinVar variation 357048 (VCV000357048.5), dbSNP rs325010, ClinGen allele CA10624098.
Genomic context (GRCh38, chr6:44,300,181, plus strand): 5'-AGGCGTGTGCCACCACACCCGGCTAATTTTTTGTATTTTTAGTAGAGATGGGGTTTCACC[A>G]TGTTAGCCAGGATGGTTTTGATCTCCTGACCTCATGATCTACCTGCCTCGGCCTCCCAAA-3'